The following is an entry in ClinVar:

NM_024711.6(GIMAP6):c.1-1_1del

Gene: GIMAP6 (GTPase, IMAP family member 6; minus strand). Cytogenetic location: 7q36.1.
Variant type: Deletion.
Coding change: c.1-1_1del on transcript NM_024711.6 (MANE Select); the canonical splice acceptor site of the intron before coding-DNA position 1 through coding-DNA position 1, 2 bases deleted (GA; older notation c.1-1_1delGA).
Molecular consequence: splice acceptor variant, initiator codon variant.
Genome position (GRCh38, 1-based): chr7:150,630,142-150,630,143, TC deleted on the plus strand (GA on the coding strand, the reverse complement: GIMAP6 is on the minus strand); deleting any 2 consecutive bases within chr7:150,630,142-150,630,144 gives the same sequence; the c. name uses the placement nearest the transcript's 3' end. VCF-style (leftmost placement, unchanged base first): chr7-150630141-ATC-A. GRCh37 (hg19) VCF-style: chr7-150327229-ATC-A.
Other names: c.1-1_1del (NM_001244071.2, NM_001244072.2).
Identifiers: ClinVar variation 4880089 (VCV004880089.1).

ClinVar aggregate classification (germline): Uncertain significance (1 of 4 stars; one submission).

Conditions:
Primary ciliary dyskinesia. Also called: Ciliary dyskinesia. Identifiers: Orphanet 244, MedGen C0008780, MONDO:0016575, HP:0012265.

Submission:

Department of Human Genetics, Hannover Medical School
Classification: Uncertain significance for Primary Ciliary Dyskinesia. Last evaluated: 2026-04-01. Review status: criteria provided, single submitter. Criteria: ACMG Guidelines, 2015. Collection method: research. Allele origin: germline. Affected: no.
Comment: Classification performed by HerediClassify using the following criteria:['PM2_supporting: Variant occures does not occur as homozygous in gnomAD.', 'PVS1_splicing_strong: Transcript ENST00000328902 does not undergo NMD and reading frame is not preserved. Protein length change of 0.9965753424657534 observed.']